The following is an entry in ClinVar:

NM_144997.7(FLCN):c.580C>T (p.Arg194Trp)

Gene: FLCN (folliculin; minus strand). Cytogenetic location: 17p11.2.
Variant type: single nucleotide variant.
Coding change: c.580C>T on transcript NM_144997.7 (MANE Select); coding-DNA position 580, C replaced by T.
Protein change: p.Arg194Trp; replaces arginine 194 with tryptophan.
Molecular consequence: missense variant.
Genome position (GRCh38, 1-based): chr17:17,223,960, G>A on the plus strand (C>T on the coding strand, the complement: FLCN is on the minus strand). VCF-style: chr17-17223960-G-A. GRCh37 (hg19) VCF-style: chr17-17127274-G-A.
Other names: c.580C>T (LRG_325t1); c.634C>T, p.Arg212Trp (NM_001353229.2); c.580C>T, p.Arg194Trp (NM_001353230.2, NM_001353231.2, NM_144606.7); short protein forms R194W, R212W.
Identifiers: ClinVar variation 141552 (VCV000141552.32), dbSNP rs138070947, ClinGen allele CA165760.

ClinVar aggregate classification (germline): Conflicting classifications of pathogenicity. Review status: criteria provided, conflicting classifications (1 of 4 stars). 9 submissions from 9 submitters: Uncertain significance (3); Benign (1); Likely benign (5). Last evaluated 2026-02-02.

Conditions:
Birt-Hogg-Dube syndrome 1 (BHD1). Also called: FIBROFOLLICULOMAS WITH TRICHODISCOMAS AND ACROCHORDONS. Identifiers: Orphanet 122, MedGen CN375946, MONDO:0800445, OMIM 135150.
FLCN-related disorder. Also called: FLCN-related condition.
Hereditary cancer-predisposing syndrome. Also called: Tumor predisposition; Neoplastic Syndromes, Hereditary; Hereditary neoplastic syndrome; Hereditary Cancer Syndrome. Identifiers: Orphanet 140162, MedGen C0027672, MeSH D009386, MONDO:0015356.
Birt-Hogg-Dube syndrome. Also called: Birt Hogg Dubé syndrome. Identifiers: Orphanet 122, MedGen C0346010, MONDO:0800444.

Allele frequency attached by ClinVar (database versions not stated): gnomAD 0.00016 and 0.00017; gnomAD exomes 0.00019; ExAC 0.00020; TOPMed 0.00020; ESP Exome Variant Server 0.00046.

Submissions (9):

Labcorp Genetics (formerly Invitae), Labcorp
Classification: Likely benign for Birt-Hogg-Dube syndrome. Last evaluated: 2026-02-02. Review status: criteria provided, single submitter. Criteria: Invitae Variant Classification Sherloc (09022015). Collection method: clinical testing. Allele origin: germline.

Center for Genomic Medicine, Rigshospitalet, Copenhagen University Hospital
Classification: Uncertain significance. Last evaluated: 2025-12-29. Review status: criteria provided, single submitter. Criteria: ACMG Guidelines, 2015. Collection method: clinical testing. Allele origin: germline.

PreventionGenetics, part of Exact Sciences
Classification: Likely benign for FLCN-related condition. Last evaluated: 2025-07-08. Review status: criteria provided, single submitter. Criteria: ACMG Guidelines, 2015. Collection method: clinical testing. Allele origin: germline.
Comment: This variant is classified as likely benign based on ACMG/AMP sequence variant interpretation guidelines (Richards et al. 2015 PMID: 25741868, with internal and published modifications).

Blueprint Genetics
Classification: Likely benign. Last evaluated: 2024-11-05. Review status: criteria provided, single submitter. Criteria: ACMG Guidelines, 2015. Collection method: clinical testing. Allele origin: germline.

Myriad Genetics, Inc.
Classification: Benign for Birt-Hogg-Dube syndrome 1. Last evaluated: 2024-10-23. Review status: criteria provided, single submitter. Criteria: Myriad Autosomal Dominant, Autosomal Recessive and X-Linked Classification Criteria (2023). Collection method: clinical testing. Allele origin: unknown.
Comment: This variant is considered benign. This variant has been observed at a population frequency that is significantly greater than expected given the associated disease prevalence and penetrance. Homozygosity has been confirmed in one or more individuals. As homozygosity for pathogenic variants in this gene is generally assumed to result in embryonic lethality, this variant is unlikely to be pathogenic.

Sema4
Classification: Uncertain significance for Hereditary cancer-predisposing syndrome. Last evaluated: 2022-03-05. Review status: criteria provided, single submitter. Criteria: Sema4 Curation Guidelines. Collection method: curation. Allele origin: germline.
Comment: The FLCN c.580C>T (p.R194W) variant has been reported in several cases with breast cancer or colorectal cancer (PMID: 28569218, 28944238), and a case with an advanced unspecified cancer (PMID: 28873162). This variant was observed in 52/281834 chromosomes across all population from the Genome Aggregation Database (PMID: 32461654) and in ClinVar (Variation ID: 141552). Functional studies have not been performed, and in silico predictions of the variant's effect on protein function are inconclusive. Based on the current evidence available, this variant is interpreted as a variant of uncertain significance.

GeneDx
Classification: Likely benign. Last evaluated: 2021-05-10. Review status: criteria provided, single submitter. Criteria: GeneDx Variant Classification Process June 2021. Collection method: clinical testing. Allele origin: germline. Affected: yes.
Comment: In silico analysis supports that this missense variant has a deleterious effect on protein structure/function; Observed in individuals with a personal history of advanced cancer (Mandelker 2017); This variant is associated with the following publications: (PMID: 29109099, 29181861, 28873162)

Ambry Genetics
Classification: Likely benign for Hereditary cancer-predisposing syndrome. Last evaluated: 2019-04-01. Review status: criteria provided, single submitter. Criteria: Ambry Variant Classification Scheme 2023. Collection method: clinical testing. Allele origin: germline.

Genomic Diagnostic Laboratory, Division of Genomic Diagnostics, Children's Hospital of Philadelphia
Classification: Uncertain significance for Birt-Hogg-Dube Syndrome. Last evaluated: 2016-07-18. Review status: criteria provided, single submitter. Criteria: DGD Variant Analysis Guidelines. Collection method: clinical testing. Allele origin: germline. Affected: yes. Observed: 1 variant allele.
Comment: Clinical Testing

Literature cited by the submitters: PubMed 28873162 (cited by Center for Genomic Medicine, Rigshospitalet, Copenhagen University Hospital and Sema4); PubMed 28569218 (cited by Sema4); PubMed 28944238 (cited by Sema4).